The following is an entry in ClinVar:

NM_152383.5(DIS3L2):c.1330C>T (p.Leu444Phe)

Gene: DIS3L2 (DIS3 like 3'-5' exoribonuclease 2; plus strand). Cytogenetic location: 2q37.1.
Variant type: single nucleotide variant.
Coding change: c.1330C>T on transcript NM_152383.5 (MANE Select); coding-DNA position 1330, C replaced by T.
Protein change: p.Leu444Phe; replaces leucine 444 with phenylalanine.
Molecular consequence: missense variant. On other transcripts: non-coding transcript variant (2).
Genome position (GRCh38, 1-based): chr2:232,249,251, C>T. VCF-style: chr2-232249251-C-T. GRCh37 (hg19) VCF-style: chr2-233113961-C-T.
Other names: c.1330C>T, p.Leu444Phe (NM_001257281.2); short protein forms L444F.
Identifiers: ClinVar variation 4813182 (VCV004813182.1).

ClinVar aggregate classification (germline): Uncertain significance (1 of 4 stars; one submission).

Conditions:
Perlman syndrome (PRLMNS). Identifiers: Orphanet 2849, MedGen C0796113, MONDO:0009965, OMIM 267000.

gnomAD v4.1: 3 of 1,613,962 alleles (0.00019%); highest among the groups gnomAD compares: Non-Finnish European, 0.00025%; no homozygotes.

Submission:

St. Jude Molecular Pathology, St. Jude Children's Research Hospital
Classification: Uncertain significance for Perlman syndrome. Last evaluated: 2026-02-20. Review status: criteria provided, single submitter. Criteria: St. Jude Assertion Criteria 2020. Collection method: clinical testing. Allele origin: germline.
Comment: The DIS3L2 c.1330C>T p.(Leu444Phe) missense change is absent in gnomAD v2.1.1. The in silico tool REVEL is inconclusive about a deleterious on protein function, but to our knowledge this prediction has not been confirmed by functional studies. To our knowledge, this variant has not been reported in individuals with Perlman syndrom e. In summary, the evidence currently available is insufficient to determine the clinical significance of this variant. It has therefore been classified as of uncertain significance.